The following is an entry in ClinVar:

NM_020822.3(KCNT1):c.1568_1585dup (p.Thr528_Leu529insArgProAlaThrSerThr)

Gene: KCNT1 (potassium sodium-activated channel subfamily T member 1; plus strand). Cytogenetic location: 9q34.3.
Variant type: Duplication.
Coding change: c.1568_1585dup on transcript NM_020822.3 (MANE Select); coding-DNA positions 1568 to 1585, 18 bases duplicated (GCCCGGCGACCTCCACCC).
Protein change: p.Thr528_Leu529insArgProAlaThrSerThr.
Molecular consequence: inframe insertion.
Genome position (GRCh38, 1-based): chr9:135,770,004-135,770,021, GCCCGGCGACCTCCACCC duplicated. VCF-style (leftmost placement, unchanged base first): chr9-135770003-T-TGCCCGGCGACCTCCACCC. GRCh37 (hg19) VCF-style: chr9-138661849-T-TGCCCGGCGACCTCCACCC.
Other names: c.1433_1450dup, p.Thr483_Leu484insArgProAlaThrSerThr (NM_001272003.2).
Identifiers: ClinVar variation 2938444 (VCV002938444.3), dbSNP rs1264558816, ClinGen allele CA860988055.

ClinVar aggregate classification (germline): Uncertain significance (1 of 4 stars; one submission).

Conditions:
Autosomal dominant nocturnal frontal lobe epilepsy 5. Also called: Epilepsy, nocturnal frontal lobe, 5; CILIARY DYSKINESIA, PRIMARY, 28, WITHOUT SITUS INVERSUS; CILIARY DYSKINESIA, PRIMARY, 28, WITH SITUS INVERSUS; KCNT1-Related Epilepsy. Identifiers: Orphanet 98784, MedGen C3554306, MONDO:0014002, OMIM 615005.
Developmental and epileptic encephalopathy, 14 (DEE14). Also called: Early infantile epileptic encephalopathy 14. Identifiers: Orphanet 293181, MedGen C3554195, MONDO:0013989, OMIM 614959.

Allele frequency attached by ClinVar (database versions not stated): gnomAD exomes below 0.00001.

Submission:

Labcorp Genetics (formerly Invitae), Labcorp
Classification: Uncertain significance for Autosomal dominant nocturnal frontal lobe epilepsy 5; Developmental and epileptic encephalopathy, 14. Last evaluated: 2022-11-09. Review status: criteria provided, single submitter. Criteria: Invitae Variant Classification Sherloc (09022015). Collection method: clinical testing. Allele origin: germline.
Comment: This variant, c.1568_1585dup, results in the insertion of 6 amino acid(s) of the KCNT1 protein (p.Thr528_Leu529insArgProAlaThrSerThr), but otherwise preserves the integrity of the reading frame. This variant is not present in population databases (gnomAD no frequency). This variant has not been reported in the literature in individuals affected with KCNT1-related conditions. In summary, the available evidence is currently insufficient to determine the role of this variant in disease. Therefore, it has been classified as a Variant of Uncertain Significance.